The following is an entry in ClinVar:

ClinVar aggregate classification (germline): Conflicting classifications of pathogenicity. Review status: criteria provided, conflicting classifications (1 of 4 stars). 4 submissions from 4 submitters: Pathogenic (1); Uncertain significance (3). Last evaluated 2026-02-10.

Conditions:
Autosomal dominant nonsyndromic hearing loss 65. Also called: Deafness, autosomal dominant 65; TBC1D24-Related Autosomal Dominant Nonsyndromic Hearing Loss (DFNA). Identifiers: Orphanet 90635, MedGen C3892048, MONDO:0014470, OMIM 616044.
Developmental and epileptic encephalopathy, 1 (DEE1). Also called: Epileptic encephalopathy, early infantile, 1; X-linked infantile spasms; West's syndrome; Tonic spasms with clustering, arrest of psychomotor development and hypsarrhythmia on EEG; X-Linked Infantile Spasm Syndrome; OHTAHARA SYNDROME, X-LINKED. Identifiers: MedGen C3463992, MONDO:0010632, OMIM 308350. Disease mechanism: loss of function.
Epilepsy. Also called: Seizure disorder. Identifiers: MedGen C0014544, MeSH D004827, MONDO:0005027.

Allele frequency attached by ClinVar (database versions not stated): TOPMed below 0.00001; ExAC 0.00002; gnomAD exomes 0.00002; gnomAD 0.00003; ESP Exome Variant Server 0.00008.
gnomAD v4.1: 6 of 1,614,096 alleles (0.00037%); highest among the groups gnomAD compares: Admixed American, 0.0017%; no homozygotes.

Submissions (4):

Cytogénomique, Hospices Civils de Lyon
Classification: Pathogenic for Epilepsy. Last evaluated: 2026-02-10. Review status: criteria provided, single submitter. Criteria: ACMG Guidelines, 2015. Collection method: clinical testing. Allele origin: germline. Affected: yes.

Labcorp Genetics (formerly Invitae), Labcorp
Classification: Uncertain significance for Developmental and epileptic encephalopathy, 1; Autosomal dominant nonsyndromic hearing loss 65. Last evaluated: 2025-02-24. Review status: criteria provided, single submitter. Criteria: Invitae Variant Classification Sherloc (09022015). Collection method: clinical testing. Allele origin: germline.
Comment: This sequence change replaces alanine, which is neutral and non-polar, with valine, which is neutral and non-polar, at codon 244 of the TBC1D24 protein (p.Ala244Val). This variant is present in population databases (rs375873110, gnomAD 0.005%). This missense change has been observed in individual(s) with early-onset epileptic encephleopathy (PMID: 27281533). ClinVar contains an entry for this variant (Variation ID: 436945). Invitae Evidence Modeling of protein sequence and biophysical properties (such as structural, functional, and spatial information, amino acid conservation, physicochemical variation, residue mobility, and thermodynamic stability) indicates that this missense variant is expected to disrupt TBC1D24 protein function with a positive predictive value of 95%. This variant disrupts the p.Ala244 amino acid residue in TBC1D24. Other variant(s) that disrupt this residue have been observed in individuals with TBC1D24-related conditions (PMID: 27281533, 28072960), which suggests that this may be a clinically significant amino acid residue. In summary, the available evidence is currently insufficient to determine the role of this variant in disease. Therefore, it has been classified as a Variant of Uncertain Significance.

Blueprint Genetics
Classification: Uncertain significance. Last evaluated: 2018-10-05. Review status: criteria provided, single submitter. Criteria: ACMG Guidelines, 2015. Collection method: clinical testing. Allele origin: germline.

Genetic Services Laboratory, University of Chicago
Classification: Uncertain significance. Last evaluated: 2015-09-24. Review status: criteria provided, single submitter. Criteria: ACMG Guidelines, 2015. Collection method: clinical testing. Allele origin: germline. Affected: no.

Literature cited by the submitters: PubMed 27281533 (cited by Labcorp Genetics (formerly Invitae), Labcorp); PubMed 28072960 (cited by Labcorp Genetics (formerly Invitae), Labcorp).

NM_001199107.2(TBC1D24):c.731C>T (p.Ala244Val)

Gene: TBC1D24 (TBC1 domain family member 24; plus strand). Cytogenetic location: 16p13.3.
Variant type: single nucleotide variant.
Coding change: c.731C>T on transcript NM_001199107.2 (MANE Select); coding-DNA position 731, C replaced by T.
Protein change: p.Ala244Val; replaces alanine 244 with valine.
Molecular consequence: missense variant.
Genome position (GRCh38, 1-based): chr16:2,496,879, C>T. VCF-style: chr16-2496879-C-T. GRCh37 (hg19) VCF-style: chr16-2546880-C-T.
Other names: c.731C>T, p.Ala244Val (NM_020705.3); short protein forms A244V.
Identifiers: ClinVar variation 436945 (VCV000436945.11), dbSNP rs375873110, ClinGen allele CA7844055.